The following is an entry in ClinVar:

ClinVar aggregate classification (germline): Pathogenic. Review status: criteria provided, multiple submitters, no conflicts (2 of 4 stars). 4 submissions from 4 submitters: Pathogenic (3). 1 of the submissions does not count toward it. Last evaluated 2024-05-15.

Conditions:
PKD1-related disorder. Also called: PKD1-related condition.
Polycystic kidney disease, adult type (PKD1). Also called: Polycystic Kidney Disease 1, Autosomal Dominant; Polycystic kidney disease 1; Polycystic kidney disease 1, severe; POLYCYSTIC KIDNEY DISEASE 1 WITH OR WITHOUT POLYCYSTIC LIVER DISEASE; Polycystic Kidney, Autosomal Dominant; POLYCYSTIC KIDNEY DISEASE, ADULT, TYPE I. Identifiers: MedGen C3149841, MONDO:0008263, OMIM 173900.

Submissions (4):

Blueprint Genetics
Classification: Pathogenic for PKD1-related disorders. Last evaluated: 2024-05-15. Review status: criteria provided, single submitter. Criteria: ACMG Guidelines, 2015. Collection method: clinical testing. Allele origin: germline. Affected: yes. Observed: 1 variant allele.

GeneDx
Classification: Pathogenic. Last evaluated: 2022-10-13. Review status: criteria provided, single submitter. Criteria: GeneDx Variant Classification Process June 2021. Collection method: clinical testing. Allele origin: germline. Affected: yes.
Comment: Nonsense variant predicted to result in protein truncation or nonsense mediated decay in a gene for which loss of function is a known mechanism of disease; Not observed at significant frequency in large population cohorts (gnomAD); This variant is associated with the following publications: (PMID: 25525159, 9345095, 29529603, 17574468)

Fulgent Genetics
Classification: Pathogenic for Polycystic kidney disease, adult type. Last evaluated: 2021-06-30. Review status: criteria provided, single submitter. Criteria: ACMG Guidelines, 2015. Collection method: clinical testing. Allele origin: unknown.
Comment: This variant has been detected in individual(s) who were sent for testing of Renasight - kidney gene panel.

OMIM
Classification: Pathogenic for POLYCYSTIC KIDNEY DISEASE 1. Last evaluated: 1997-11-01. Review status: no assertion criteria provided. Collection method: literature only. Allele origin: germline. Not counted in ClinVar's aggregate classification.

Literature cited by the submitters: PubMed 9345095 (cited by OMIM).

NM_001009944.3(PKD1):c.12036G>A (p.Trp4012Ter)

Gene: PKD1 (polycystin 1, transient receptor potential channel interacting; minus strand). Cytogenetic location: 16p13.3.
Variant type: single nucleotide variant.
Coding change: c.12036G>A on transcript NM_001009944.3 (MANE Select); coding-DNA position 12036, G replaced by A.
Protein change: p.Trp4012Ter; replaces tryptophan 4012 with a stop codon.
Molecular consequence: nonsense.
Genome position (GRCh38, 1-based): chr16:2,090,776, C>T on the plus strand (G>A on the coding strand, the complement: PKD1 is on the minus strand). VCF-style: chr16-2090776-C-T. GRCh37 (hg19) VCF-style: chr16-2140777-C-T.
Other names: 12036G-A; c.12033G>A, p.Trp4011Ter (NM_000296.4); short protein forms W4012*, W4011*.
Identifiers: ClinVar variation 8202 (VCV000008202.5), dbSNP rs1218054241, ClinGen allele CA394328003.